The following is an entry in ClinVar:

NM_006005.3(WFS1):c.2026C>A (p.Arg676Ser)

Gene: WFS1 (wolframin ER transmembrane glycoprotein; plus strand). Cytogenetic location: 4p16.1.
Variant type: single nucleotide variant.
Coding change: c.2026C>A on transcript NM_006005.3 (MANE Select); coding-DNA position 2026, C replaced by A.
Protein change: p.Arg676Ser; replaces arginine 676 with serine.
Molecular consequence: missense variant.
Genome position (GRCh38, 1-based): chr4:6,301,821, C>A. VCF-style: chr4-6301821-C-A. GRCh37 (hg19) VCF-style: chr4-6303548-C-A.
Other names: c.2026C>A, p.Arg676Ser (NM_001145853.1); short protein forms R676S.
Identifiers: ClinVar variation 426675 (VCV000426675.6), dbSNP rs201623184, ClinGen allele CA356177555.

ClinVar aggregate classification (germline): Uncertain significance. Review status: criteria provided, multiple submitters, no conflicts (2 of 4 stars). 3 submissions from 3 submitters: Uncertain significance (3). Last evaluated 2022-12-30.

gnomAD v4.1: 53 of 1,613,112 alleles (0.0033%); highest among the groups gnomAD compares: Non-Finnish European, 0.0038%; no homozygotes.

Submissions (3):

Blueprint Genetics
Classification: Uncertain significance. Last evaluated: 2022-12-30. Review status: criteria provided, single submitter. Criteria: ACMG Guidelines, 2015. Collection method: clinical testing. Allele origin: germline.

Labcorp Genetics (formerly Invitae), Labcorp
Classification: Uncertain significance. Last evaluated: 2021-12-13. Review status: criteria provided, single submitter. Criteria: Invitae Variant Classification Sherloc (09022015). Collection method: clinical testing. Allele origin: germline.
Comment: This sequence change replaces arginine, which is basic and polar, with serine, which is neutral and polar, at codon 676 of the WFS1 protein (p.Arg676Ser). This variant is present in population databases (no rsID available, gnomAD 0.004%). This variant has not been reported in the literature in individuals affected with WFS1-related conditions. ClinVar contains an entry for this variant (Variation ID: 426675). Advanced modeling of protein sequence and biophysical properties (such as structural, functional, and spatial information, amino acid conservation, physicochemical variation, residue mobility, and thermodynamic stability) performed at Invitae indicates that this missense variant is not expected to disrupt WFS1 protein function. In summary, the available evidence is currently insufficient to determine the role of this variant in disease. Therefore, it has been classified as a Variant of Uncertain Significance.

GeneDx
Classification: Uncertain significance. Last evaluated: 2019-12-18. Review status: criteria provided, single submitter. Criteria: GeneDx Variant Classification Process June 2021. Collection method: clinical testing. Allele origin: germline. Affected: yes.
Comment: Not observed at a significant frequency in large population cohorts (Lek et al., 2016); In silico analysis, which includes protein predictors and evolutionary conservation, supports that this variant does not alter protein structure/function; Has not been previously published as pathogenic or benign to our knowledge